The following is an entry in ClinVar:

NC_000018.9:g.(?_42281312)_(42643663_?)dup

Gene: SETBP1 (SET binding protein 1; plus strand). Cytogenetic location: 18q12.3.
Variant type: Duplication.
Identifiers: ClinVar variation 3242806 (VCV003242806.1).

ClinVar aggregate classification (germline): Uncertain significance (1 of 4 stars; one submission).

Submission:

Labcorp Genetics (formerly Invitae), Labcorp
Classification: Uncertain significance. Last evaluated: 2023-11-21. Review status: criteria provided, single submitter. Criteria: Invitae Variant Classification Sherloc (09022015). Collection method: clinical testing. Allele origin: unknown.
Comment: A copy number gain of the genomic region encompassing the full coding sequence of the SETBP1 gene has been identified. The boundaries of this event are unknown as they extend beyond the assayed region for this gene and therefore may encompass additional genes. As the precise location of this event is unknown, it may be in tandem or it may be located elsewhere in the genome. This variant has not been reported in the literature in individuals affected with SETBP1-related conditions. In summary, the available evidence is currently insufficient to determine the role of this variant in disease. Therefore, it has been classified as a Variant of Uncertain Significance.